The following is an entry in ClinVar:

ClinVar aggregate classification (germline): Uncertain significance (1 of 4 stars; one submission).

Conditions:
Familial intrahepatic cholestasis. Identifiers: Orphanet 284385, MedGen CN296401, MONDO:0017290.

Submission:

Genomenon, Inc
Classification: Uncertain significance for Familial intrahepatic cholestasis. Last evaluated: 2026-04-14. Review status: criteria provided, single submitter. Criteria: Genomenon Sequence Variant Interpretation Standards - Updated. Collection method: curation. Allele origin: germline. Affected: yes.
Comment: ABCB4 p.Thr485Ala (c.1453A>G) is a missense variant that changes the amino acid at residue 485 from Threonine to Alanine. This variant has been observed in at least one proband with an ABCB4-related disorder (PMID:37697751). It is absent or not present at a significant frequency in gnomAD. In silico models predict that this variant is possibly or probably damaging. In conclusion, we classify ABCB4 p.Thr485Ala (c.1453A>G) as a variant of uncertain significance.

Literature cited by the submitters: PubMed 37697751.

NM_000443.4(ABCB4):c.1453A>G (p.Thr485Ala)

Gene: ABCB4 (ATP binding cassette subfamily B member 4; minus strand). Cytogenetic location: 7q21.12.
Variant type: single nucleotide variant.
Coding change: c.1453A>G on transcript NM_000443.4 (MANE Select); coding-DNA position 1453, A replaced by G.
Protein change: p.Thr485Ala; replaces threonine 485 with alanine.
Molecular consequence: missense variant.
Genome position (GRCh38, 1-based): chr7:87,440,306, T>C on the plus strand (A>G on the coding strand, the complement: ABCB4 is on the minus strand). VCF-style: chr7-87440306-T-C. GRCh37 (hg19) VCF-style: chr7-87069622-T-C.
Other names: c.1453A>G, p.Thr485Ala (NM_018849.3, NM_018850.3); short protein forms T485A.
Identifiers: ClinVar variation 4846638 (VCV004846638.1).
Genomic context (GRCh38, chr7:87,440,306, plus strand): 5'-CTTTCTTTATCTCATCCATGGTTACATTTCCACGGCCATAACAAATATTTTCAGCAATTG[T>C]GGTGGAAAACAGCACCGGCTCCTGACTCACCACACCAATGATTTCCCTCAGATAGTTTAC-3'
Protein context (NP_000434.1, residues 475-495): VSQEPVLFST[Thr485Ala]IAENICYGRG